The following is an entry in ClinVar:

ClinVar aggregate classification (germline): Uncertain significance (1 of 4 stars; one submission).

Submission:

Labcorp Genetics (formerly Invitae), Labcorp
Classification: Uncertain significance. Last evaluated: 2021-10-27. Review status: criteria provided, single submitter. Criteria: Invitae Variant Classification Sherloc (09022015). Collection method: clinical testing. Allele origin: germline.
Comment: In summary, the available evidence is currently insufficient to determine the role of this variant in disease. Therefore, it has been classified as a Variant of Uncertain Significance. Algorithms developed to predict the effect of missense changes on protein structure and function (SIFT, PolyPhen-2, Align-GVGD) all suggest that this variant is likely to be tolerated. This variant has not been reported in the literature in individuals affected with ABCC6-related conditions. This variant is not present in population databases (gnomAD no frequency). This sequence change replaces phenylalanine, a(n) neutral and non-polar amino acid, with serine, a(n) neutral and polar amino acid, at codon 532 of the ABCC6 protein (p.Phe532Ser).

NM_001171.6(ABCC6):c.1595T>C (p.Phe532Ser)

Gene: ABCC6 (ATP binding cassette subfamily C member 6; minus strand). Cytogenetic location: 16p13.11.
Variant type: single nucleotide variant.
Coding change: c.1595T>C on transcript NM_001171.6 (MANE Select); coding-DNA position 1595, T replaced by C.
Protein change: p.Phe532Ser; replaces phenylalanine 532 with serine.
Molecular consequence: missense variant. On other transcripts: non-coding transcript variant (1).
Genome position (GRCh38, 1-based): chr16:16,190,204, A>G on the plus strand (T>C on the coding strand, the complement: ABCC6 is on the minus strand). VCF-style: chr16-16190204-A-G. GRCh37 (hg19) VCF-style: chr16-16284061-A-G.
Other names: c.1253T>C, p.Phe418Ser (NM_001351800.1); short protein forms F532S, F418S.
Identifiers: ClinVar variation 1524294 (VCV001524294.6), dbSNP rs2152269947, ClinGen allele CA394889604.